The following is an entry in ClinVar:

NM_001290060.2(SEMA3B):c.683T>C (p.Val228Ala)

Genes: SEMA3B (semaphorin 3B; plus strand), LOC129936787 (ATAC-STARR-seq lymphoblastoid active region 19897; plus strand). Cytogenetic location: 3p21.31.
Variant type: single nucleotide variant.
Coding change: c.683T>C on transcript NM_001290060.2 (MANE Select); coding-DNA position 683, T replaced by C.
Protein change: p.Val228Ala; replaces valine 228 with alanine.
Molecular consequence: missense variant. On other transcripts: 5 prime UTR variant (1), splice donor variant (1).
Genome position (GRCh38, 1-based): chr3:50,273,316, T>C. VCF-style: chr3-50273316-T-C. GRCh37 (hg19) VCF-style: chr3-50310747-T-C.
Other names: c.683T>C, p.Val228Ala (NM_001290061.1, NM_004636.4, NM_001005914.3); c.-344T>C (NM_001290062.2); c.-220+2T>C (NM_001290063.2); short protein forms V228A.
Identifiers: ClinVar variation 3353792 (VCV003353792.1).

ClinVar aggregate classification (germline): Uncertain significance (0 of 4 stars; one submission).

Conditions:
SEMA3B-related disorder. Also called: SEMA3B-related condition.

gnomAD v4.1: 4 of 1,613,804 alleles (0.00025%); highest among the groups gnomAD compares: Admixed American, 0.0033%; no homozygotes.

Submission:

PreventionGenetics, part of Exact Sciences
Classification: Uncertain significance for SEMA3B-related condition. Last evaluated: 2024-08-30. Review status: no assertion criteria provided. Collection method: clinical testing. Allele origin: germline.
Comment: The SEMA3B c.683T>C variant is predicted to result in the amino acid substitution p.Val228Ala. On the HGMD and PreventionGenetics primary transcripts, this variant causes a missense change (NM_004636.3 and NM_001290061.1:c.683T>C (p.Val228Ala)). To our knowledge, this variant has not been reported in the literature. This variant is reported in 0.0029% of alleles in individuals of Latino descent in gnomAD. At this time, the clinical significance of this variant is uncertain due to the absence of conclusive functional and genetic evidence.